The following is an entry in ClinVar:

NM_001170629.2(CHD8):c.4596del (p.Arg1533fs)

Gene: CHD8 (chromodomain helicase DNA binding protein 8; minus strand). Cytogenetic location: 14q11.2.
Variant type: Deletion.
Coding change: c.4596del on transcript NM_001170629.2 (MANE Select); coding-DNA position 4596, one base deleted (A; older notation c.4596delA).
Protein change: p.Arg1533fs; shifts the reading frame from arginine 1533.
Molecular consequence: frameshift variant.
Genome position (GRCh38, 1-based): chr14:21,400,282, T deleted on the plus strand (A on the coding strand, the reverse complement: CHD8 is on the minus strand). VCF-style (leftmost placement, unchanged base first): chr14-21400281-GT-G. GRCh37 (hg19) VCF-style: chr14-21868440-GT-G.
Other names: c.3759del, p.Arg1254fs (NM_020920.4); short protein forms R1254fs, R1533fs.
Identifiers: ClinVar variation 4721885 (VCV004721885.1).

ClinVar aggregate classification (germline): Pathogenic (1 of 4 stars; one submission).

Submission:

Labcorp Genetics (formerly Invitae), Labcorp
Classification: Pathogenic. Last evaluated: 2025-06-28. Review status: criteria provided, single submitter. Criteria: Invitae Variant Classification Sherloc (09022015). Collection method: clinical testing. Allele origin: germline.
Comment: This sequence change creates a premature translational stop signal (p.Arg1533Alafs*6) in the CHD8 gene. It is expected to result in an absent or disrupted protein product. Loss-of-function variants in CHD8 are known to be pathogenic (PMID: 24998929, 26789910). This variant is not present in population databases (gnomAD no frequency). This variant has not been reported in the literature in individuals affected with CHD8-related conditions. For these reasons, this variant has been classified as Pathogenic.

Literature cited by the submitters: PubMed 24998929; PubMed 26789910.